The following is an entry in ClinVar:

NM_001366385.1(CARD14):c.1796C>A (p.Thr599Asn)

Gene: CARD14 (caspase recruitment domain family member 14; plus strand). Cytogenetic location: 17q25.3.
Variant type: single nucleotide variant.
Coding change: c.1796C>A on transcript NM_001366385.1 (MANE Select); coding-DNA position 1796, C replaced by A.
Protein change: p.Thr599Asn; replaces threonine 599 with asparagine.
Molecular consequence: missense variant. On other transcripts: non-coding transcript variant (1).
Genome position (GRCh38, 1-based): chr17:80,198,536, C>A. VCF-style: chr17-80198536-C-A. GRCh37 (hg19) VCF-style: chr17-78172335-C-A.
Other names: c.1796C>A, p.Thr599Asn (NM_001257970.1, NM_024110.4); c.1085C>A, p.Thr362Asn (NM_052819.3); short protein forms T599N, T362N.
Identifiers: ClinVar variation 2951723 (VCV002951723.3), dbSNP rs2510682271, ClinGen allele CA401351306.

ClinVar aggregate classification (germline): Uncertain significance (1 of 4 stars; one submission).

Conditions:
Psoriasis 2. Identifiers: MedGen C1864497, MONDO:0011269, OMIM 602723.
Pityriasis rubra pilaris (PRP). Also called: Pityriasis rubra pilaris--familial type. Identifiers: Orphanet 2897, MedGen C0032027, MONDO:0100017, OMIM 173200, MONDO:0008251.

Submission:

Labcorp Genetics (formerly Invitae), Labcorp
Classification: Uncertain significance for Pityriasis rubra pilaris; Psoriasis 2. Last evaluated: 2024-12-09. Review status: criteria provided, single submitter. Criteria: Invitae Variant Classification Sherloc (09022015). Collection method: clinical testing. Allele origin: germline.
Comment: This sequence change replaces threonine, which is neutral and polar, with asparagine, which is neutral and polar, at codon 599 of the CARD14 protein (p.Thr599Asn). This variant is not present in population databases (gnomAD no frequency). This variant has not been reported in the literature in individuals affected with CARD14-related conditions. ClinVar contains an entry for this variant (Variation ID: 2951723). Invitae Evidence Modeling of protein sequence and biophysical properties (such as structural, functional, and spatial information, amino acid conservation, physicochemical variation, residue mobility, and thermodynamic stability) has been performed for this missense variant. However, the output from this modeling did not meet the statistical confidence thresholds required to predict the impact of this variant on CARD14 protein function. In summary, the available evidence is currently insufficient to determine the role of this variant in disease. Therefore, it has been classified as a Variant of Uncertain Significance.